The following is an entry in ClinVar:

ClinVar aggregate classification (germline): Uncertain significance. Review status: criteria provided, multiple submitters, no conflicts (2 of 4 stars). 2 submissions from 2 submitters: Uncertain significance (2). Last evaluated 2026-09-11.

Conditions:
Exostoses, multiple, type 1 (EXT1). Also called: Hereditary Multiple Osteochondromatosis, Type I; EXOSTOSES, MULTIPLE, TYPE I. Identifiers: MedGen CN263289, MONDO:0007585, OMIM 133700.
Inborn genetic diseases. Identifiers: MedGen C0950123, MeSH D030342.

Allele frequency attached by ClinVar (database versions not stated): gnomAD exomes below 0.00001.
gnomAD v4.1: 1 of 1,614,176 alleles (0.000062%); highest among the groups gnomAD compares: South Asian, 0.0011%; no homozygotes.

Submissions (2):

Ambry Genetics
Classification: Uncertain significance for Inborn genetic diseases. Last evaluated: 2026-09-11. Review status: criteria provided, single submitter. Criteria: Ambry Variant Classification Scheme 2023. Collection method: clinical testing. Allele origin: germline.
Comment: The c.2143A>G (p.M715V) alteration is located in exon 11 (coding exon 11) of the EXT1 gene. This alteration results from a A to G substitution at nucleotide position 2143, causing the methionine (M) at amino acid position 715 to be replaced by a valine (V). Based on data from gnomAD, the G allele has an overall frequency of <0.001% (1/251208) total alleles studied. The highest observed frequency was 0.003% (1/30614) of South Asian alleles. Based on insufficient or conflicting evidence, the clinical significance of this alteration remains unclear.

Mendelics
Classification: Uncertain significance for Exostoses, multiple, type 1. Last evaluated: 2019-05-28. Review status: criteria provided, single submitter. Criteria: Mendelics Assertion Criteria 2017. Collection method: clinical testing. Allele origin: unknown.

NM_000127.3(EXT1):c.2143A>G (p.Met715Val)

Gene: EXT1 (exostosin glycosyltransferase 1; minus strand). Cytogenetic location: 8q24.11.
Variant type: single nucleotide variant.
Coding change: c.2143A>G on transcript NM_000127.3 (MANE Select); coding-DNA position 2143, A replaced by G.
Protein change: p.Met715Val; replaces methionine 715 with valine.
Molecular consequence: missense variant.
Genome position (GRCh38, 1-based): chr8:117,799,810, T>C on the plus strand (A>G on the coding strand, the complement: EXT1 is on the minus strand). VCF-style: chr8-117799810-T-C. GRCh37 (hg19) VCF-style: chr8-118812049-T-C.
Other names: c.2143A>G (NM_000127.2); short protein forms M715V.
Identifiers: ClinVar variation 802435 (VCV000802435.2), dbSNP rs1225915837, ClinGen allele CA371889969.